The following is an entry in ClinVar:

NM_194454.3(KRIT1):c.1943C>T (p.Ala648Val)

Gene: KRIT1 (KRIT1 ankyrin repeat containing; minus strand). Cytogenetic location: 7q21.2.
Variant type: single nucleotide variant.
Coding change: c.1943C>T on transcript NM_194454.3 (MANE Select); coding-DNA position 1943, C replaced by T.
Protein change: p.Ala648Val; replaces alanine 648 with valine.
Molecular consequence: missense variant.
Genome position (GRCh38, 1-based): chr7:92,213,277, G>A on the plus strand (C>T on the coding strand, the complement: KRIT1 is on the minus strand). VCF-style: chr7-92213277-G-A. GRCh37 (hg19) VCF-style: chr7-91842591-G-A.
Other names: c.1799C>T, p.Ala600Val (NM_001013406.2, NM_001350669.1, NM_001350670.1); c.1229C>T, p.Ala410Val (NM_001350671.1); c.1943C>T, p.Ala648Val (NM_001350672.1, NM_001350673.1, NM_001350674.1 and 26 more transcripts); short protein forms A648V, A410V, A600V.
Identifiers: ClinVar variation 1505094 (VCV001505094.9), dbSNP rs2131308052, ClinGen allele CA368139689.
Genomic context (GRCh38, chr7:92,213,277, plus strand): 5'-TGAAGTCCTTTTATATTCACTCCTACATACACAGGGATGACTTTATGATTGCTGGGGCTT[G>A]CCTTTGTAAATATCTGTCCTGTGAAAAATGCTGCTCCATAAGTAGGAATTTCCCAGCAAT-3'
Protein context (NP_919436.1, residues 638-658): AFFTGQIFTK[Ala648Val]SPSNHKVIPV

ClinVar aggregate classification (germline): Conflicting classifications of pathogenicity. Review status: criteria provided, conflicting classifications (1 of 4 stars). 2 submissions from 2 submitters: Likely pathogenic (1); Uncertain significance (1). Last evaluated 2024-04-15.

Conditions:
KRIT1-related disorder. Also called: KRIT1-related disorders; KRIT1-related condition.
Cerebral cavernous malformation (CCM). Also called: CAVERNOUS ANGIOMA, FAMILIAL; CAVERNOUS ANGIOMATOUS MALFORMATIONS; CEREBRAL CAPILLARY MALFORMATIONS; Cerebral cavernous hemangioma (type); Cavernous Hemangioma of Brain; Cerebral cavernous malformations. Identifiers: Orphanet 221061, MedGen C2919945, MONDO:0000820, OMIM 116860, HP:0033522.

Submissions (2):

Blueprint Genetics
Classification: Likely pathogenic for KRIT1-related disorders. Last evaluated: 2024-04-15. Review status: criteria provided, single submitter. Criteria: ACMG Guidelines, 2015. Collection method: clinical testing. Allele origin: germline. Affected: yes. Observed: 4 variant alleles.

Labcorp Genetics (formerly Invitae), Labcorp
Classification: Uncertain significance for Cerebral cavernous malformation. Last evaluated: 2020-10-27. Review status: criteria provided, single submitter. Criteria: Invitae Variant Classification Sherloc (09022015). Collection method: clinical testing. Allele origin: germline.
Comment: In summary, the available evidence is currently insufficient to determine the role of this variant in disease. Therefore, it has been classified as a Variant of Uncertain Significance. Studies have shown that this variant is associated with the activation of a cryptic splice site in exon 18 (PMID: 12404106). Algorithms developed to predict the effect of missense changes on protein structure and function (SIFT, PolyPhen-2, Align-GVGD) all suggest that this variant is likely to be tolerated, but these predictions have not been confirmed by published functional studies and their clinical significance is uncertain. This variant has been observed in individual(s) with cerebral cavernous malformations (PMID: 12404106, Invitae). This variant is not present in population databases (ExAC no frequency). This sequence change replaces alanine with valine at codon 648 of the KRIT1 protein (p.Ala648Val). The alanine residue is moderately conserved and there is a small physicochemical difference between alanine and valine. RNA analysis indicates that this variant induces altered splicing and likely results in the loss of 28 amino acid residue(s), but is expected to preserve the integrity of the reading-frame.

Literature cited by the submitters: PubMed 12404106 (cited by Labcorp Genetics (formerly Invitae), Labcorp).